The following is an entry in ClinVar:

NM_001080414.4(CCDC88C):c.3895C>T (p.Arg1299Cys)

Gene: CCDC88C (coiled-coil and HOOK domain protein 88C; minus strand). Cytogenetic location: 14q32.11.
Variant type: single nucleotide variant.
Coding change: c.3895C>T on transcript NM_001080414.4 (MANE Select); coding-DNA position 3895, C replaced by T.
Protein change: p.Arg1299Cys; replaces arginine 1299 with cysteine.
Molecular consequence: missense variant.
Genome position (GRCh38, 1-based): chr14:91,297,376, G>A on the plus strand (C>T on the coding strand, the complement: CCDC88C is on the minus strand). VCF-style: chr14-91297376-G-A. GRCh37 (hg19) VCF-style: chr14-91763720-G-A.
Other names: p.Arg1299Cys; short protein forms R1299C.
Identifiers: ClinVar variation 376774 (VCV000376774.56), dbSNP rs142539336, ClinGen allele CA7309192.

ClinVar aggregate classification (germline): Conflicting classifications of pathogenicity. Review status: criteria provided, conflicting classifications (1 of 4 stars). 8 submissions from 7 submitters: Uncertain significance (3); Benign (1); Likely benign (3). 1 of the submissions does not count toward it. Last evaluated 2026-02-02.

Conditions:
Inborn genetic diseases. Identifiers: MedGen C0950123, MeSH D030342.
Epilepsy. Also called: Seizure disorder. Identifiers: MedGen C0014544, MeSH D004827, MONDO:0005027.
CCDC88C-related disorder. Also called: CCDC88C-related condition; CCDC88C-Related Disorders.
Intellectual disability. Also called: Intellectual functioning disability; Intellectual developmental disorder; intellectual disabilities. Identifiers: MedGen C3714756, MeSH D008607, MONDO:0001071, HP:0001249.

Allele frequency attached by ClinVar (database versions not stated): 1000 Genomes Project 30x 0.00219; 1000 Genomes Project 0.00220; gnomAD 0.00427 and 0.00436; TOPMed 0.00436; gnomAD exomes 0.00442; ExAC 0.00490; ESP Exome Variant Server 0.00541.
gnomAD v4.1: 10,753 of 1,613,446 alleles (0.67%); highest among the groups gnomAD compares: Non-Finnish European, 0.8%; 45 homozygotes.

Submissions (8):

Labcorp Genetics (formerly Invitae), Labcorp
Classification: Likely benign. Last evaluated: 2026-02-02. Review status: criteria provided, single submitter. Criteria: Invitae Variant Classification Sherloc (09022015). Collection method: clinical testing. Allele origin: germline.

CeGaT Center for Human Genetics Tuebingen
Classification: Likely benign. Last evaluated: 2025-11-01. Review status: criteria provided, single submitter. Criteria: CeGaT Center For Human Genetics Tuebingen Variant Classification Criteria Version 2. Collection method: clinical testing. Allele origin: germline. Affected: yes. Observed: 13 variant alleles.
Comment: CCDC88C: BP4, BS2

Mayo Clinic Laboratories, Mayo Clinic
Classification: Benign. Last evaluated: 2023-08-10. Review status: criteria provided, single submitter. Criteria: ACMG Guidelines, 2015. Collection method: clinical testing. Allele origin: germline. Observed: 6 variant alleles.
Comment: BS1, BS2, BP4

Ambry Genetics
Classification: Likely benign for Inborn genetic diseases. Last evaluated: 2022-07-24. Review status: criteria provided, single submitter. Criteria: Ambry Variant Classification Scheme 2023. Collection method: clinical testing. Allele origin: germline.

Cambridge Genomics Laboratory, East Genomic Laboratory Hub, NHS Genomic Medicine Service
Classification: Uncertain significance for Intellectual disability. Last evaluated: 2019-10-17. Review status: criteria provided, single submitter. Criteria: ACGS Best Practice Guidelines for Variant Classification in Rare Disease 2020. Collection method: clinical testing. Allele origin: germline. Affected: yes. Observed: 1 variant allele.

Cambridge Genomics Laboratory, East Genomic Laboratory Hub, NHS Genomic Medicine Service
Classification: Uncertain significance for Epilepsy. Last evaluated: 2019-10-09. Review status: criteria provided, single submitter. Criteria: ACGS Best Practice Guidelines for Variant Classification in Rare Disease 2020. Collection method: clinical testing. Allele origin: germline. Affected: yes. Observed: 1 variant allele.

Center for Pediatric Genomic Medicine, Children's Mercy Hospital and Clinics
Classification: Uncertain significance. Last evaluated: 2017-01-31. Review status: criteria provided, single submitter. Criteria: ACMG Guidelines, 2015. Collection method: clinical testing. Allele origin: germline.
ClinVar note: Converted during submission from Uncertain Significance to Uncertain significance.

PreventionGenetics, part of Exact Sciences
Classification: Likely benign for CCDC88C-related condition. Last evaluated: 2019-08-14. Review status: no assertion criteria provided. Collection method: clinical testing. Allele origin: germline. Not counted in ClinVar's aggregate classification.
Comment: This variant is classified as likely benign based on ACMG/AMP sequence variant interpretation guidelines (Richards et al. 2015 PMID: 25741868, with internal and published modifications).